The following is an entry in ClinVar:

NM_176824.3(BBS7):c.540G>T (p.Val180=)

Gene: BBS7 (Bardet-Biedl syndrome 7; minus strand). Cytogenetic location: 4q27.
Variant type: single nucleotide variant.
Coding change: c.540G>T on transcript NM_176824.3 (MANE Select); coding-DNA position 540, G replaced by T.
Protein change: p.Val180=; no amino-acid change (valine 180 retained).
Molecular consequence: synonymous variant.
Genome position (GRCh38, 1-based): chr4:121,855,550, C>A on the plus strand (G>T on the coding strand, the complement: BBS7 is on the minus strand). VCF-style: chr4-121855550-C-A. GRCh37 (hg19) VCF-style: chr4-122776705-C-A.
Other names: c.540G>T, p.Val180= (NM_018190.4).
Identifiers: ClinVar variation 3352742 (VCV003352742.2).
Genomic context (GRCh38, chr4:121,855,550, plus strand): 5'-GCCATTTCCATTGTGTAGTGCTAAGACAGTAGGGGGTCCAGGAACTTCAACTGCATACAT[C>A]ACATCAGATCCCTGAAGGAGAAGTATTTAAAAACTGAAACAGAATACAAACTGAAAATAA-3'
Protein context (NP_789794.1, residues 170-190): RVLRVLQGSD[Val180=]MYAVEVPGPP

ClinVar aggregate classification (germline): Likely benign. Review status: criteria provided, single submitter (1 of 4 stars). 2 submissions from 2 submitters: Likely benign (1). 1 of the submissions does not count toward it. Last evaluated 2024-06-12.

Conditions:
BBS7-related disorder. Also called: BBS7-related condition.

gnomAD v4.1: 1 of 1,613,402 alleles (0.000062%); highest among the groups gnomAD compares: Admixed American, 0.0017%; no homozygotes.

Submissions (2):

Blueprint Genetics
Classification: Likely benign. Last evaluated: 2024-06-12. Review status: criteria provided, single submitter. Criteria: ACMG Guidelines, 2015. Collection method: clinical testing. Allele origin: germline.

PreventionGenetics, part of Exact Sciences
Classification: Likely benign for BBS7-related condition. Last evaluated: 2020-07-10. Review status: no assertion criteria provided. Collection method: clinical testing. Allele origin: germline. Not counted in ClinVar's aggregate classification.
Comment: This variant is classified as likely benign based on ACMG/AMP sequence variant interpretation guidelines (Richards et al. 2015 PMID: 25741868, with internal and published modifications).